The following is an entry in ClinVar:

ClinVar aggregate classification (germline): Uncertain significance (1 of 4 stars; one submission).

Conditions:
Generalized epilepsy with febrile seizures plus, type 7 (GEFSP7). Also called: GEFS+, TYPE 7. Identifiers: Orphanet 36387, MedGen C2751778, MONDO:0013470, OMIM 613863.
Neuropathy, hereditary sensory and autonomic, type 2A (HSAN2A). Also called: ACROOSTEOLYSIS, GIACCAI TYPE; ACROOSTEOLYSIS, NEUROGENIC; WNK1-Related HSAN2 (HSAN2A); HSAN IIA; MORVAN DISEASE; NEUROPATHY, CONGENITAL SENSORY. Identifiers: Orphanet 970, MedGen C2752089, MONDO:0024309, OMIM 201300.

Allele frequency attached by ClinVar (database versions not stated): gnomAD exomes below 0.00001.
gnomAD v4.1: 3 of 1,614,150 alleles (0.00019%); highest among the groups gnomAD compares: East Asian, 0.0022%; no homozygotes.

Submission:

Labcorp Genetics (formerly Invitae), Labcorp
Classification: Uncertain significance for Neuropathy, hereditary sensory and autonomic, type 2A; Generalized epilepsy with febrile seizures plus, type 7. Last evaluated: 2025-12-13. Review status: criteria provided, single submitter. Criteria: Invitae Variant Classification Sherloc (09022015). Collection method: clinical testing. Allele origin: germline.
Comment: This sequence change replaces tyrosine, which is neutral and polar, with cysteine, which is neutral and slightly polar, at codon 1772 of the SCN9A protein (p.Tyr1772Cys). This variant is present in population databases (no rsID available, gnomAD 0.003%). This variant has not been reported in the literature in individuals affected with SCN9A-related conditions. ClinVar contains an entry for this variant (Variation ID: 1062819). Invitae Evidence Modeling of protein sequence and biophysical properties (such as structural, functional, and spatial information, amino acid conservation, physicochemical variation, residue mobility, and thermodynamic stability) has been performed for this missense variant. However, the output from this modeling did not meet the statistical confidence thresholds required to predict the impact of this variant on SCN9A protein function. In summary, the available evidence is currently insufficient to determine the role of this variant in disease. Therefore, it has been classified as a Variant of Uncertain Significance.

NM_001365536.1(SCN9A):c.5348A>G (p.Tyr1783Cys)

Genes: SCN9A (sodium voltage-gated channel alpha subunit 9; minus strand), SCN1A-AS1 (SCN1A and SCN9A antisense RNA 1; plus strand). Cytogenetic location: 2q24.3.
Variant type: single nucleotide variant.
Coding change: c.5348A>G on transcript NM_001365536.1 (MANE Select); coding-DNA position 5348, A replaced by G.
Protein change: p.Tyr1783Cys; replaces tyrosine 1783 with cysteine.
Molecular consequence: missense variant.
Genome position (GRCh38, 1-based): chr2:166,199,291, T>C on the plus strand (A>G on the coding strand, the complement: SCN9A is on the minus strand). VCF-style: chr2-166199291-T-C. GRCh37 (hg19) VCF-style: chr2-167055801-T-C.
Other names: c.5315A>G, p.Tyr1772Cys (NM_002977.4); short protein forms Y1772C, Y1783C.
Identifiers: ClinVar variation 1062819 (VCV001062819.9), dbSNP rs1219393597, ClinGen allele CA349053381.